The following is an entry in ClinVar:

NM_006096.4(NDRG1):c.973C>T (p.Arg325Trp)

Gene: NDRG1 (N-myc downstream regulated 1; minus strand). Cytogenetic location: 8q24.22.
Variant type: single nucleotide variant.
Coding change: c.973C>T on transcript NM_006096.4 (MANE Select); coding-DNA position 973, C replaced by T.
Protein change: p.Arg325Trp; replaces arginine 325 with tryptophan.
Molecular consequence: missense variant.
Genome position (GRCh38, 1-based): chr8:133,239,090, G>A on the plus strand (C>T on the coding strand, the complement: NDRG1 is on the minus strand). VCF-style: chr8-133239090-G-A. GRCh37 (hg19) VCF-style: chr8-134251333-G-A.
Other names: c.973C>T, p.Arg325Trp (NM_001135242.2, NM_001374845.1, NM_001374846.1); c.775C>T, p.Arg259Trp (NM_001258432.2, NM_001374847.1); c.730C>T, p.Arg244Trp (NM_001258433.2); c.1024C>T, p.Arg342Trp (NM_001374844.1); short protein forms R325W, R244W, R259W, R342W.
Identifiers: ClinVar variation 240290 (VCV000240290.18), dbSNP rs141078746, ClinGen allele CA4886454.

ClinVar aggregate classification (germline): Conflicting classifications of pathogenicity. Review status: criteria provided, conflicting classifications (1 of 4 stars). 4 submissions from 4 submitters: Uncertain significance (1); Likely benign (3). Last evaluated 2026-01-19.

Conditions:
NDRG1-related disorder. Also called: NDRG1-related condition.
Inborn genetic diseases. Identifiers: MedGen C0950123, MeSH D030342.
Charcot-Marie-Tooth disease type 4. Also called: Charcot-Marie-Tooth disease, type IV; Charcot-Marie-Tooth, Type 4. Identifiers: Orphanet 64749, MedGen C4082197, MONDO:0018995.
Charcot-Marie-Tooth disease type 4D. Also called: CHARCOT-MARIE-TOOTH DISEASE, DEMYELINATING, AUTOSOMAL RECESSIVE, TYPE 4D; NEUROPATHY, HEREDITARY MOTOR AND SENSORY, LOM TYPE; CHARCOT-MARIE-TOOTH DISEASE, DEMYELINATING, TYPE 4D; Charcot-Marie-Tooth Neuropathy Type 4D. Identifiers: Orphanet 99950, MedGen C1832334, MONDO:0011085, OMIM 601455.

Allele frequency attached by ClinVar (database versions not stated): TOPMed 0.00015.
gnomAD v4.1: 218 of 1,567,044 alleles (0.014%); highest among the groups gnomAD compares: African/African-American, 0.004%; no homozygotes.

Submissions (4):

Labcorp Genetics (formerly Invitae), Labcorp
Classification: Likely benign for Charcot-Marie-Tooth disease type 4. Last evaluated: 2026-01-19. Review status: criteria provided, single submitter. Criteria: Invitae Variant Classification Sherloc (09022015). Collection method: clinical testing. Allele origin: germline.

PreventionGenetics, part of Exact Sciences
Classification: Likely benign for NDRG1-related condition. Last evaluated: 2025-07-02. Review status: criteria provided, single submitter. Criteria: ACMG Guidelines, 2015. Collection method: clinical testing. Allele origin: germline.
Comment: This variant is classified as likely benign based on ACMG/AMP sequence variant interpretation guidelines (Richards et al. 2015 PMID: 25741868, with internal and published modifications).

Ambry Genetics
Classification: Likely benign for Inborn genetic diseases. Last evaluated: 2022-04-13. Review status: criteria provided, single submitter. Criteria: Ambry Variant Classification Scheme 2023. Collection method: clinical testing. Allele origin: germline.

Illumina Laboratory Services, Illumina
Classification: Uncertain significance for Charcot-Marie-Tooth disease type 4D. Last evaluated: 2017-04-27. Review status: criteria provided, single submitter. Criteria: ICSL Variant Classification Criteria 13 December 2019. Collection method: clinical testing. Allele origin: germline.